The following is an entry in ClinVar:

NM_000152.5(GAA):c.511del (p.Asp170_Val171insTer)

Gene: GAA (alpha glucosidase; plus strand). Cytogenetic location: 17q25.3.
Variant type: Deletion.
Coding change: c.511del on transcript NM_000152.5 (MANE Select); coding-DNA position 511, one base deleted (G; older notation c.511delG).
Protein change: p.Asp170_Val171insTer.
Molecular consequence: nonsense.
Genome position (GRCh38, 1-based): chr17:80,105,097, G deleted. VCF-style (leftmost placement, unchanged base first): chr17-80105096-CG-C. GRCh37 (hg19) VCF-style: chr17-78078895-CG-C.
Other names: c.511del, p.Asp170_Val171insTer (NM_001079803.3, NM_001079804.3); c.511delG (NM_000152.4).
Identifiers: ClinVar variation 1322973 (VCV001322973.8), dbSNP rs2143829478, ClinGen allele CA2573054600.

ClinVar aggregate classification (germline): Pathogenic/Likely pathogenic. Review status: criteria provided, multiple submitters, no conflicts (2 of 4 stars). 5 submissions from 5 submitters: Pathogenic (2); Likely pathogenic (3). Last evaluated 2026-07-01.

Conditions:
Glycogen storage disease, type II (IOPD). Also called: CARDIOMEGALIA GLYCOGENICA DIFFUSA; GLYCOGENOSIS, GENERALIZED, CARDIAC FORM; GSD II; POMPE DISEASE, INFANTILE-ONSET; GLYCOGEN STORAGE DISEASE II, INFANTILE-ONSET; ACID ALPHA-GLUCOSIDASE DEFICIENCY, INFANTILE-ONSET. Identifiers: Orphanet 365, MedGen C0017921, MONDO:0009290, OMIM 232300.

Submissions (5):

Genomenon, Inc
Classification: Likely pathogenic for Glycogen storage disease, type II. Last evaluated: 2026-07-01. Review status: criteria provided, single submitter. Criteria: Genomenon Sequence Variant Interpretation Standards - Updated. Collection method: curation. Allele origin: germline. Affected: no.
Comment: GAA p.Val171Ter (c.511del) is a nonsense variant that introduces a premature stop codon at amino acid position 171 and is predicted to result in a truncated or absent protein product. This variant has been reported in the published literature (PMID:33073007). It is absent or not present at a significant frequency in gnomAD. In conclusion, we classify GAA p.Val171Ter (c.511del) as a likely pathogenic variant.

Labcorp Genetics (formerly Invitae), Labcorp
Classification: Pathogenic for Glycogen storage disease, type II. Last evaluated: 2025-05-07. Review status: criteria provided, single submitter. Criteria: Invitae Variant Classification Sherloc (09022015). Collection method: clinical testing. Allele origin: germline.
Comment: This sequence change creates a premature translational stop signal (p.Val171*) in the GAA gene. It is expected to result in an absent or disrupted protein product. Loss-of-function variants in GAA are known to be pathogenic (PMID: 18425781, 22252923). This variant is not present in population databases (gnomAD no frequency). This variant has not been reported in the literature in individuals affected with GAA-related conditions. ClinVar contains an entry for this variant (Variation ID: 1322973). For these reasons, this variant has been classified as Pathogenic.

Natera, Inc.
Classification: Likely pathogenic for Glycogen storage disease type II. Last evaluated: 2025-02-04. Review status: criteria provided, single submitter. Criteria: Natera Variant Classification Schema (03/2026). Collection method: clinical testing. Allele origin: germline.
Comment: The c.511delG variant in GAA is a frameshift variant predicted to shift the reading frame and introduce a stop codon. This variant is expected to result in nonsense mediated decay, truncation, or a dysfunctional protein product. This variant is rare in the general population with a frequency below the threshold expected for the associated phenotype(s). Given the available evidence, this variant is classified as Likely Pathogenic.

Baylor Genetics
Classification: Likely pathogenic for Glycogen storage disease, type II. Last evaluated: 2023-10-05. Review status: criteria provided, single submitter. Criteria: ACMG Guidelines, 2015. Collection method: clinical testing. Allele origin: unknown.

Revvity Omics, Revvity
Classification: Pathogenic. Last evaluated: 2021-10-08. Review status: criteria provided, single submitter. Criteria: ACMG Guidelines, 2015. Collection method: clinical testing. Allele origin: germline.

Literature cited by the submitters: PubMed 33073007 (cited by Genomenon, Inc); PubMed 18425781 (cited by Labcorp Genetics (formerly Invitae), Labcorp); PubMed 22252923 (cited by Labcorp Genetics (formerly Invitae), Labcorp).